The following is an entry in ClinVar:

ClinVar aggregate classification (germline): Uncertain significance. Review status: criteria provided, multiple submitters, no conflicts (2 of 4 stars). 4 submissions from 4 submitters: Uncertain significance (4). Last evaluated 2026-04-27.

Conditions:
MYH7B-related disorder. Also called: MYH7B-related condition.

Submissions (4):

PreventionGenetics, part of Exact Sciences
Classification: Uncertain significance for MYH7B-related condition. Last evaluated: 2026-04-27. Review status: criteria provided, single submitter. Criteria: ACMG Guidelines, 2015. Collection method: clinical testing. Allele origin: germline.
Comment: The MYH7B c.5901_5903delCAA variant is predicted to result in an in-frame deletion (p.Asn1967del). This variant has been observed along with second MYH7B variant in family with Congenital Anomalies of the Kidney and Urinary Tract (Table S4, van der Ven et al. 2018. PubMed ID: 30143558). This variant is reported in 0.096% of alleles in individuals of European (Non-Finnish) descent in gnomAD, including one homozygote. Although we suspect that this variant may be benign, at this time, the clinical significance of this variant is uncertain due to the absence of conclusive functional and genetic evidence.

Labcorp Genetics (formerly Invitae), Labcorp
Classification: Uncertain significance. Last evaluated: 2025-02-13. Review status: criteria provided, single submitter. Criteria: Invitae Variant Classification Sherloc (09022015). Collection method: clinical testing. Allele origin: germline.
Comment: This variant, c.5901_5903del, results in the deletion of 1 amino acid(s) of the MYH7B protein (p.Asn1967del), but otherwise preserves the integrity of the reading frame. This variant is present in population databases (rs756930057, gnomAD 0.09%), and has an allele count higher than expected for a pathogenic variant. This variant has been observed in individual(s) with congenital anomalies of the kidney and urinary tract (CAKUT) (PMID: 30143558). In summary, the available evidence is currently insufficient to determine the role of this variant in disease. Therefore, it has been classified as a Variant of Uncertain Significance.

CeGaT Center for Human Genetics Tuebingen
Classification: Uncertain significance. Last evaluated: 2017-12-01. Review status: criteria provided, single submitter. Criteria: CeGaT Center For Human Genetics Tuebingen Variant Classification Criteria Version 2. Collection method: clinical testing. Allele origin: germline. Affected: yes. Observed: 1 variant allele.

Breakthrough Genomics
Classification: Uncertain significance. Review status: criteria provided, single submitter. Criteria: ACMG Guidelines, 2015. Collection method: not provided. Allele origin: germline. Inheritance: Autosomal dominant inheritance. Affected: yes.

Literature cited by the submitters: PubMed 30143558 (cited by Labcorp Genetics (formerly Invitae), Labcorp).

NM_020884.7(MYH7B):c.5772CAA[1] (p.Asn1925del)

Gene: MYH7B (myosin heavy chain 7B; plus strand). Cytogenetic location: 20q11.22.
Variant type: Microsatellite.
Coding change: c.5772CAA[1] on transcript NM_020884.7 (MANE Select); one copy of the 3-base unit CAA starting at c.5772; the reference has two copies in a row; one copy, 3 bases deleted.
Protein change: p.Asn1925del; deletes asparagine 1925.
Molecular consequence: inframe deletion.
Genome position (GRCh38, 1-based): chr20:35,002,046-35,002,048, CAA deleted; deleting any 3 consecutive bases within chr20:35,002,043-35,002,048 gives the same sequence; the position shown is the placement nearest the transcript's 3' end. VCF-style (leftmost placement, unchanged base first): chr20-35002042-CCAA-C. GRCh37 (hg19) VCF-style: chr20-33589845-CCAA-C.
Other names: c.5901_5903delCAA (NM_020884.4); short protein forms N1925del.
Identifiers: ClinVar variation 546897 (VCV000546897.51), dbSNP rs756930057, ClinGen allele CA9828741.